The following is an entry in ClinVar:

NM_015443.4(KANSL1):c.277A>G (p.Lys93Glu)

Gene: KANSL1 (KAT8 regulatory NSL complex subunit 1). Cytogenetic location: 17q21.31.
Variant type: single nucleotide variant.
Coding change: c.277A>G on transcript NM_015443.4 (MANE Select); coding-DNA position 277, A replaced by G.
Protein change: p.Lys93Glu; replaces lysine 93 with glutamic acid.
Molecular consequence: missense variant.
Genome position (GRCh38, 1-based): chr17:46,171,867, T>C on the plus strand (A>G on the coding strand, the complement: KANSL1 is on the minus strand). VCF-style: chr17-46171867-T-C. GRCh37 (hg19) VCF-style: chr17-44249233-T-C.
Other names: c.277A>G, p.Lys93Glu (NM_001193465.2, NM_001193466.2, NM_001379198.1); short protein forms K93E.
Identifiers: ClinVar variation 664497 (VCV000664497.6), dbSNP rs752219095, ClinGen allele CA8619079.

ClinVar aggregate classification (germline): Uncertain significance (1 of 4 stars; one submission).

Conditions:
Koolen-de Vries syndrome (KDVS). Identifiers: Orphanet 96169, MedGen C1864871, MONDO:0012496, OMIM 610443.

Allele frequency attached by ClinVar (database versions not stated): gnomAD exomes below 0.00001 and 0.00001; TOPMed below 0.00001; ExAC 0.00001.
gnomAD v4.1: 5 of 1,614,218 alleles (0.00031%); highest among the groups gnomAD compares: East Asian, 0.0022%; no homozygotes.

Submission:

Labcorp Genetics (formerly Invitae), Labcorp
Classification: Uncertain significance for Koolen-de Vries syndrome. Last evaluated: 2021-09-17. Review status: criteria provided, single submitter. Criteria: Invitae Variant Classification Sherloc (09022015). Collection method: clinical testing. Allele origin: germline.
Comment: Due to the possible presence of a polymorphic segmental duplication, the location of the variant could not be unambiguously resolved. Variants with ambiguous mapping are still reported relative to the KANSL1 transcript. This sequence change replaces lysine with glutamic acid at codon 93 of the KANSL1 protein (p.Lys93Glu). The lysine residue is highly conserved and there is a small physicochemical difference between lysine and glutamic acid. The frequency data for this variant in the population databases is considered unreliable, as metrics indicate poor data quality at this position in the ExAC database. This variant has not been reported in the literature in individuals with KANSL1-related conditions. ClinVar contains an entry for this variant (Variation ID: 664497). Algorithms developed to predict the effect of missense changes on protein structure and function (SIFT, PolyPhen-2, Align-GVGD) all suggest that this variant is likely to be tolerated. Algorithms developed to predict the effect of sequence changes on RNA splicing suggest that this variant may create or strengthen a splice site. Until the location of this sequence change can be resolved, the clinical significance of this variant remains uncertain. It has been classified as a Variant of Uncertain Significance.